The following is an entry in ClinVar:

NM_001261826.3(AP3D1):c.2281C>G (p.Pro761Ala)

Gene: AP3D1 (adaptor related protein complex 3 subunit delta 1; minus strand). Cytogenetic location: 19p13.3.
Variant type: single nucleotide variant.
Coding change: c.2281C>G on transcript NM_001261826.3 (MANE Select); coding-DNA position 2281, C replaced by G.
Protein change: p.Pro761Ala; replaces proline 761 with alanine.
Molecular consequence: missense variant.
Genome position (GRCh38, 1-based): chr19:2,115,287, G>C on the plus strand (C>G on the coding strand, the complement: AP3D1 is on the minus strand). VCF-style: chr19-2115287-G-C. GRCh37 (hg19) VCF-style: chr19-2115286-G-C.
Other names: c.2281C>G, p.Pro761Ala (NM_001374799.1, NM_003938.8); short protein forms P761A.
Identifiers: ClinVar variation 3622025 (VCV003622025.2).

ClinVar aggregate classification (germline): Uncertain significance (1 of 4 stars; one submission).

gnomAD v4.1: 2 of 1,613,232 alleles (0.00012%); highest among the groups gnomAD compares: Non-Finnish European, 0.00017%; no homozygotes.

Submission:

Labcorp Genetics (formerly Invitae), Labcorp
Classification: Uncertain significance. Last evaluated: 2026-01-19. Review status: criteria provided, single submitter. Criteria: Invitae Variant Classification Sherloc (09022015). Collection method: clinical testing. Allele origin: germline.
Comment: This sequence change replaces proline, which is neutral and non-polar, with alanine, which is neutral and non-polar, at codon 761 of the AP3D1 protein (p.Pro761Ala). This variant is not present in population databases (gnomAD no frequency). This variant has not been reported in the literature in individuals affected with AP3D1-related conditions. ClinVar contains an entry for this variant (Variation ID: 3622025). An algorithm developed to predict the effect of missense changes on protein structure and function (PolyPhen-2) suggests that this variant is likely to be tolerated. In summary, the available evidence is currently insufficient to determine the role of this variant in disease. Therefore, it has been classified as a Variant of Uncertain Significance.